The following is an entry in ClinVar:

NM_001326411.2(PISD):c.337dup (p.Ser113fs)

Gene: PISD (phosphatidylserine decarboxylase; minus strand). Cytogenetic location: 22q12.2.
Variant type: Duplication.
Coding change: c.337dup on transcript NM_001326411.2 (MANE Select); coding-DNA position 337, one base duplicated (T; older notation c.337dupT).
Protein change: p.Ser113fs; shifts the reading frame from serine 113.
Molecular consequence: frameshift variant. On other transcripts: intron variant (1).
Genome position (GRCh38, 1-based): chr22:31,621,870, A duplicated on the plus strand (T on the coding strand, the reverse complement: PISD is on the minus strand). VCF-style (leftmost placement, unchanged base first): chr22-31621869-G-GA. GRCh37 (hg19) VCF-style: chr22-32017855-G-GA.
Other names: c.274dup, p.Ser92fs (NM_001326413.2, NM_001326414.2); c.235dup, p.Ser79fs (NM_001326415.2, NM_001326416.2, NM_001326417.2 and 3 more transcripts); c.157dup, p.Ser53fs (NM_001326418.2, NM_001326420.2); c.337dup, p.Ser113fs (NM_001326421.1); c.322-48dup (NM_001326412.1); short protein forms S53fs, S79fs, S113fs, S92fs.
Identifiers: ClinVar variation 1470810 (VCV001470810.6), dbSNP rs778194666, ClinGen allele CA10194828.
Genomic context (GRCh38, chr22:31,621,869, plus strand): 5'-TGTGGCAGCTCCACCTGATTGAGGCGACCCCAGGCCCGTGACAGCAAGCGCGTTGGCACT[G>GA]ACTTGTACAAAGCCACCTGCAGGCCACAGGGCAAGGGGCTGAGTTGACCACACTGCCCCA-3'

ClinVar aggregate classification (germline): Pathogenic (1 of 4 stars; one submission).

Allele frequency attached by ClinVar (database versions not stated): gnomAD exomes 0.00003 and 0.00006; ExAC 0.00005; gnomAD 0.00008 and 0.00009; TOPMed 0.00014.

Submission:

Labcorp Genetics (formerly Invitae), Labcorp
Classification: Pathogenic. Last evaluated: 2025-09-06. Review status: criteria provided, single submitter. Criteria: Invitae Variant Classification Sherloc (09022015). Collection method: clinical testing. Allele origin: germline.
Comment: This sequence change creates a premature translational stop signal (p.Ser113Phefs*76) in the PISD gene. It is expected to result in an absent or disrupted protein product. Loss-of-function variants in PISD are known to be pathogenic (PMID: 30488656, 30858161). This variant is present in population databases (rs778194666, gnomAD 0.08%). This variant has not been reported in the literature in individuals affected with PISD-related conditions. ClinVar contains an entry for this variant (Variation ID: 1470810). For these reasons, this variant has been classified as Pathogenic.

Literature cited by the submitters: PubMed 30488656; PubMed 30858161.